The following is an entry in ClinVar:

ClinVar aggregate classification (germline): Likely pathogenic (1 of 4 stars; one submission).

Conditions:
FGFR2-related disorder. Identifiers: MedGen CN380096.

Submission:

3billion
Classification: Likely pathogenic for FGFR2-related disorder. Last evaluated: 2025-06-01. Review status: criteria provided, single submitter. Criteria: ACMG Guidelines, 2015. Collection method: clinical testing. Allele origin: germline. Affected: yes.
Comment: The variant is not observed in the gnomAD v4.1.0 dataset. Predicted Consequence/Location: The variant is located in a mutational hot spot and/or well-established functional domain in which established pathogenic variants have been reported. Missense variant. Missense changes are a common disease-causing mechanism. In silico tool predictions suggest damaging effect of the variant on gene or gene product [REVEL: 0.86 (>=0.6, sensitivity 0.68 and specificity 0.92); 3Cnet: 0.99 (> 0.75, sensitivity 0.96 and precision 0.92)]. Therefore, this variant is classified as Likely pathogenic according to the recommendation of ACMG/AMP guideline.

NM_000141.5(FGFR2):c.857C>G (p.Pro286Arg)

Gene: FGFR2 (fibroblast growth factor receptor 2; minus strand). Cytogenetic location: 10q26.13.
Variant type: single nucleotide variant.
Coding change: c.857C>G on transcript NM_000141.5 (MANE Select); coding-DNA position 857, C replaced by G.
Protein change: p.Pro286Arg; replaces proline 286 with arginine.
Molecular consequence: missense variant. On other transcripts: non-coding transcript variant (1), intron variant (1).
Genome position (GRCh38, 1-based): chr10:121,520,061, G>C on the plus strand (C>G on the coding strand, the complement: FGFR2 is on the minus strand). VCF-style: chr10-121520061-G-C. GRCh37 (hg19) VCF-style: chr10-123279575-G-C.
Other names: c.857C>G, p.Pro286Arg (NM_001144913.1, NM_001144917.2, NM_001320658.2 and 2 more transcripts); c.590C>G, p.Pro197Arg (NM_001144915.2, NM_001144919.2, NM_001441088.1 and 2 more transcripts); c.512C>G, p.Pro171Arg (NM_001144916.2, NM_001144918.2, NM_001441090.1 and 1 more transcripts); c.173C>G, p.Pro58Arg (NM_001320654.2); c.749-4742C>G (NM_001144914.1); short protein forms P171R, P197R, P286R, P58R.
Identifiers: ClinVar variation 4856149 (VCV004856149.1).